The following is an entry in ClinVar:

NM_005188.4(CBL):c.1259G>A (p.Arg420Gln)

Gene: CBL (Cbl proto-oncogene; plus strand). Cytogenetic location: 11q23.3.
Variant type: single nucleotide variant.
Coding change: c.1259G>A on transcript NM_005188.4 (MANE Select); coding-DNA position 1259, G replaced by A.
Protein change: p.Arg420Gln; replaces arginine 420 with glutamine.
Molecular consequence: missense variant.
Genome position (GRCh38, 1-based): chr11:119,278,541, G>A. VCF-style: chr11-119278541-G-A. GRCh37 (hg19) VCF-style: chr11-119149251-G-A.
Other names: p.(Arg420Gln); short protein forms R420Q.
Identifiers: ClinVar variation 13810 (VCV000013810.32), dbSNP rs267606708, ClinGen allele CA123490.

ClinVar aggregate classification (germline): Pathogenic/Likely pathogenic. Review status: criteria provided, multiple submitters, no conflicts (2 of 4 stars). 19 submissions from 18 submitters: Pathogenic (6); Likely pathogenic (8). 5 of the submissions do not count toward it. Last evaluated 2026-04-29.

Conditions:
CBL-related disorder. Also called: NOONAN SYNDROME-LIKE DISORDER WITHOUT JUVENILE MYELOMONOCYTIC LEUKEMIA; CBL MUTATION-ASSOCIATED SYNDROME; CBL SYNDROME. Identifiers: Orphanet 363972, MedGen C3150803, MONDO:0013308, OMIM 613563.
Rhabdomyosarcoma. Also called: Rhabdomyosarcoma (disease). Identifiers: Orphanet 780, MedGen C0035412, MeSH D012208, MONDO:0005212, HP:0002859.
RASopathy. Also called: rasopathies; Noonan spectrum disorder. Identifiers: Orphanet 536391, MedGen C5555857, MONDO:0021060.
Myeloproliferative disorder. Also called: Myeloproliferative disease. Identifiers: MedGen C0027022, MeSH D009196, HP:0005547.
Juvenile myelomonocytic leukemia (JMML). Also called: LEUKEMIA, JUVENILE MYELOMONOCYTIC, SOMATIC. Identifiers: Orphanet 86834, MedGen C0349639, MONDO:0011908, OMIM 607785, HP:0012209.

Allele frequency attached by ClinVar (database versions not stated): gnomAD exomes below 0.00001; ExAC 0.00002; gnomAD 0.00002 and 0.00001; ESP Exome Variant Server 0.00008.
gnomAD v4.1: 26 of 1,614,060 alleles (0.0016%); highest among the groups gnomAD compares: African/African-American, 0.0027%; no homozygotes.

Submissions 1 to 10 of 19:

Service of Pediatric Gastrohepatology and Metabolic Diseases, University of Medicine of Tirana
Classification: Likely pathogenic for Juvenile myelomonocytic leukemia. Last evaluated: 2026-04-29. Review status: criteria provided, single submitter. Criteria: ACMG Guidelines, 2015. Collection method: clinical testing. Allele origin: germline. Inheritance: Autosomal dominant inheritance. Affected: yes. Observed: 1 variant allele.
Comment: CBL c.1259G>A was classified as Likely pathogenic using ACMG/AMP 2015 criteria (PMID:25741868). Evidence considered includes PM2 for rarity/absence in population databases when reviewed, PP3 for predicted deleterious effect, known functional relevance of CBL signaling where applicable, and PP4 for phenotype consistency with Noonan syndrome-like disorder with or without juvenile myelomonocytic leukemia (OMIM:607785).

Victorian Clinical Genetics Services, Murdoch Childrens Research Institute
Classification: Likely pathogenic for CBL-related disorder. Last evaluated: 2025-12-08. Review status: criteria provided, single submitter. Criteria: ACMG Guidelines, 2015. Collection method: clinical testing. Allele origin: germline. Affected: yes.
Comment: This variant is classified as Likely pathogenic. Evidence in support of pathogenic classification: Variant is present in gnomAD <0.001 for a dominant condition (v4: 26 heterozygote(s), 0 homozygote(s)). - This variant has strong previous evidence of pathogenicity in unrelated individuals. This variant has been reported as pathogenic/likely pathogenic six times in ClinVar, and has been reported in the literature in an individual diagnosed with Noonan syndrome-like disorder (PMID: 20619386, 22190897); This variant has moderate functional evidence supporting abnormal protein function. p.(Arg420Gln) mutants were expressed in vitro. Compared to wild-type cells, mutants showed impaired EGFR ubiquitylation and increased RAS-MAPK signalling (PMID: 20619389, 25178484); Variant is located in a hotspot region or cluster of pathogenic variants. Pathogenic variants cluster in the linker region and RING finger domain (PMID: 25952305); Missense variant consistently predicted to be damaging by multiple in silico tools or highly conserved with a major amino acid change. Additional information: Variant is predicted to result in a missense amino acid change from arginine to glutamine; This variant is heterozygous; This gene is associated with autosomal dominant disease; Other missense variants comparable to the one identified in this case have inconclusive previous evidence for pathogenicity. p.(Arg420Leu) and p.(Arg420Pro) have both been once classified as a variant of unknown significance in ClinVar; The mechanism of disease for this gene is not clearly established. However, dominant negative is a likely mechanism of disease (PMID: 20619386, 20694012); Variants in this gene are known to have variable expressivity. Germline CBL pathogenic variants are associated with phenotypic heterogeneity and variable expressivity (PMID: 25952305).

Labcorp Genetics (formerly Invitae), Labcorp
Classification: Pathogenic for RASopathy. Last evaluated: 2025-11-22. Review status: criteria provided, single submitter. Criteria: Invitae Variant Classification Sherloc (09022015). Collection method: clinical testing. Allele origin: germline.
Comment: This sequence change replaces arginine, which is basic and polar, with glutamine, which is neutral and polar, at codon 420 of the CBL protein (p.Arg420Gln). This variant is present in population databases (rs267606708, gnomAD no frequency). This missense change has been observed in individuals with clinical features of Noonan syndrome (PMID: 20619386, 33318624). ClinVar contains an entry for this variant (Variation ID: 13810). Invitae Evidence Modeling of protein sequence and biophysical properties (such as structural, functional, and spatial information, amino acid conservation, physicochemical variation, residue mobility, and thermodynamic stability) indicates that this missense variant is expected to disrupt CBL protein function with a positive predictive value of 95%. Experimental studies have shown that this missense change affects CBL function (PMID: 17446348, 20619386, 22246246, 25178484, 33627783). For these reasons, this variant has been classified as Pathogenic.

Variantyx, Inc.
Classification: Likely pathogenic for CBL-related disorder. Last evaluated: 2025-07-18. Review status: criteria provided, single submitter. Criteria: Variantyx Assertion Criteria 2022. Collection method: clinical testing. Allele origin: germline. Inheritance: Autosomal dominant inheritance. Affected: yes.
Comment: This is a nonsynonymous variant in the CBL gene (OMIM: 165360). Pathogenic variants in this gene have been associated with autosomal dominant Noonan syndrome-like disorder with or without juvenile myelomonocytic leukemia. This variant has been reported in at least 3 unrelated affected individual(s) (PMID: 35583390, 20619386, 33318624) (PS4_Moderate). Functional studies have shown that this variant alters CBL protein function (PMID: 20619386, 25178484) (PS3). Multiple computational algorithms predict a deleterious effect for this variant (REVEL score: 0.858) (PP3). This variant has a 0.0027% maximum allele frequency in non-founder control populations (PM2). Based on the current evidence, this variant is classified as likely pathogenic for autosomal dominant Noonan syndrome-like disorder with or without juvenile myelomonocytic leukemia.

Dasa
Classification: Likely pathogenic. Last evaluated: 2024-10-23. Review status: criteria provided, single submitter. Criteria: DASA Assertion Criteria. Collection method: clinical testing. Allele origin: germline.
Comment: NM_005188.4(CBL):c.1259G>A (p.Arg420Gln) is a missense variant that results in the substitution of arginine with glutamine. This variant has been reported in individuals with CBL-related disorders (PMID: 20619386). Segregation data support an association with disease in the reported family/families (PMID: 20619386). Functional evidence supports an impact on the gene or gene product. Also, this variant is rare in population databases. Based on the currently available evidence, this variant is classified as likely pathogenic.

ARUP Laboratories, Molecular Genetics and Genomics, ARUP Laboratories
Classification: Likely pathogenic. Last evaluated: 2024-04-24. Review status: criteria provided, single submitter. Criteria: ARUP Molecular Germline Variant Investigation Process 2024. Collection method: clinical testing. Allele origin: germline.
Comment: The CBL c.1259G>A; p.Arg420Gln variant (rs267606708) is reported in the literature in at least four individuals affected with Noonan syndrome-like disorders (Kauffman 2021, Martinelli 2010). This variant is also reported in ClinVar (Variation ID: 13810). This variant is only observed on two alleles in the Genome Aggregation Database, indicating it is not a common polymorphism. In vitro functional analyses demonstrate that this mutation disrupts CBL ubiquitin ligase activity and trafficking of EGFR (Brand 2014, Martinelli 2010). Computational analyses predict that this variant is deleterious (REVEL: 0.858). Based on available information, this variant is considered to be likely pathogenic. References: Brand K et al. RASopathy-associated CBL germline mutations cause aberrant ubiquitylation and trafficking of EGFR. Hum Mutat. 2014 Nov. PMID: 25178484. Kauffman H et al. Genotype-phenotype association by echocardiography offers incremental value in patients with Noonan Syndrome with Multiple Lentigines. Pediatr Res. 2021 Aug. PMID: 33318624. Martinelli S et al. Heterozygous germline mutations in the CBL tumor-suppressor gene cause a Noonan syndrome-like phenotype. Am J Hum Genet. 2010 Aug 13. PMID: 20619386.

Blueprint Genetics
Classification: Pathogenic for CBL-related disorders. Last evaluated: 2024-03-18. Review status: criteria provided, single submitter. Criteria: ACMG Guidelines, 2015. Collection method: clinical testing. Allele origin: germline. Affected: yes. Observed: 5 variant alleles.

Baylor Genetics
Classification: Pathogenic for CBL-related disorder. Last evaluated: 2024-01-20. Review status: criteria provided, single submitter. Criteria: ACMG Guidelines, 2015. Collection method: clinical testing. Allele origin: unknown.

Baylor Genetics
Classification: Pathogenic for Juvenile myelomonocytic leukemia. Last evaluated: 2024-01-20. Review status: criteria provided, single submitter. Criteria: ACMG Guidelines, 2015. Collection method: clinical testing. Allele origin: unknown.

GeneDx
Classification: Pathogenic. Last evaluated: 2023-07-21. Review status: criteria provided, single submitter. Criteria: GeneDx Variant Classification Process June 2021. Collection method: clinical testing. Allele origin: germline. Affected: yes.
Comment: Functional studies demonstrate that R420Q impairs epidermal growth factor receptor (EGFR) ubiquitylation and degredation, and the R420Q-containing RING domain is not able to function as an E3 ubiquitin ligase (PMID: 25178484, 17446348); This variant is associated with the following publications: (PMID: 19734451, 24803665, 17446348, 21768087, 20619386, 25952305, 32054657, 31751678, 32855275, 34026204, 35033063, 33627783, 33512474, 35967575, 22246246, 35008940, 33318624, 33372952, 34906245, 35583390, 25178484, 22315494)